The following is an entry in ClinVar:

ClinVar aggregate classification (germline): Likely benign. Review status: criteria provided, multiple submitters, no conflicts (2 of 4 stars). 3 submissions from 3 submitters: Likely benign (2). 1 of the submissions does not count toward it. Last evaluated 2026-01-05.

Conditions:
COQ8B-related disorder. Also called: COQ8B-related condition.

Allele frequency attached by ClinVar (database versions not stated): ExAC 0.00004; gnomAD exomes 0.00004 and 0.00005; TOPMed 0.00006; gnomAD 0.00007; ESP Exome Variant Server 0.00015.
gnomAD v4.1: 69 of 1,606,538 alleles (0.0043%); highest among the groups gnomAD compares: Middle Eastern, 0.1%; no homozygotes.

Submissions (3):

Labcorp Genetics (formerly Invitae), Labcorp
Classification: Likely benign. Last evaluated: 2026-01-05. Review status: criteria provided, single submitter. Criteria: Invitae Variant Classification Sherloc (09022015). Collection method: clinical testing. Allele origin: germline.

GeneDx
Classification: Likely benign. Last evaluated: 2017-04-06. Review status: criteria provided, single submitter. Criteria: GeneDx Variant Classification (06012015). Collection method: clinical testing. Allele origin: germline. Affected: yes.
Comment: This variant is considered likely benign or benign based on one or more of the following criteria: it is a conservative change, it occurs at a poorly conserved position in the protein, it is predicted to be benign by multiple in silico algorithms, and/or has population frequency not consistent with disease.

PreventionGenetics, part of Exact Sciences
Classification: Likely benign for COQ8B-related condition. Last evaluated: 2019-04-10. Review status: no assertion criteria provided. Collection method: clinical testing. Allele origin: germline. Not counted in ClinVar's aggregate classification.
Comment: This variant is classified as likely benign based on ACMG/AMP sequence variant interpretation guidelines (Richards et al. 2015 PMID: 25741868, with internal and published modifications).

NM_024876.4(COQ8B):c.786G>A (p.Ala262=)

Gene: COQ8B (coenzyme Q8B; minus strand). Cytogenetic location: 19q13.2.
Variant type: single nucleotide variant.
Coding change: c.786G>A on transcript NM_024876.4 (MANE Select); coding-DNA position 786, G replaced by A.
Protein change: p.Ala262=; no amino-acid change (alanine 262 retained).
Molecular consequence: synonymous variant.
Genome position (GRCh38, 1-based): chr19:40,703,554, C>T on the plus strand (G>A on the coding strand, the complement: COQ8B is on the minus strand). VCF-style: chr19-40703554-C-T. GRCh37 (hg19) VCF-style: chr19-41209459-C-T.
Other names: c.663G>A, p.Ala221= (NM_001142555.3).
Identifiers: ClinVar variation 508413 (VCV000508413.10), dbSNP rs201537185, ClinGen allele CA9450283.